The following is an entry in ClinVar:

ClinVar aggregate classification (germline): Likely benign. Review status: criteria provided, multiple submitters, no conflicts (2 of 4 stars). 3 submissions from 3 submitters: Likely benign (3). Last evaluated 2025-09-08.

Conditions:
Hypertrophic cardiomyopathy. Also called: HYPERTROPHIC MYOCARDIOPATHY. Identifiers: Orphanet 217569, MedGen C0007194, MeSH D002312, MONDO:0005045, HP:0001639.

Allele frequency attached by ClinVar (database versions not stated): ExAC 0.00001; gnomAD 0.00001; gnomAD exomes 0.00001.
gnomAD v4.1: 18 of 1,613,812 alleles (0.0011%); highest among the groups gnomAD compares: Non-Finnish European, 0.0014%; no homozygotes.

Submissions (3):

Labcorp Genetics (formerly Invitae), Labcorp
Classification: Likely benign for Hypertrophic cardiomyopathy. Last evaluated: 2025-09-08. Review status: criteria provided, single submitter. Criteria: Invitae Variant Classification Sherloc (09022015). Collection method: clinical testing. Allele origin: germline.

Blueprint Genetics
Classification: Likely benign. Last evaluated: 2022-02-08. Review status: criteria provided, single submitter. Criteria: ACMG Guidelines, 2015. Collection method: clinical testing. Allele origin: germline.

GeneDx
Classification: Likely benign. Last evaluated: 2015-11-03. Review status: criteria provided, single submitter. Criteria: GeneDx Variant Classification (06012015). Collection method: clinical testing. Allele origin: germline. Affected: yes.
Comment: This variant is considered likely benign or benign based on one or more of the following criteria: it is a conservative change, it occurs at a poorly conserved position in the protein, it is predicted to be benign by multiple in silico algorithms, and/or has population frequency not consistent with disease.

NM_001018005.2(TPM1):c.639+10G>A

Gene: TPM1 (tropomyosin 1; plus strand). Cytogenetic location: 15q22.2.
Variant type: single nucleotide variant.
Coding change: c.639+10G>A on transcript NM_001018005.2 (MANE Select); 10 bases into the intron after coding-DNA position 639, G replaced by A.
Molecular consequence: intron variant.
Genome position (GRCh38, 1-based): chr15:63,061,798, G>A. VCF-style: chr15-63061798-G-A. GRCh37 (hg19) VCF-style: chr15-63353997-G-A.
Other names: c.765+10G>A (NM_001365778.1); c.640-417G>A (NM_001018020.2, NM_001018006.2, NM_000366.6); c.639+10G>A (NM_001018007.2, NM_001365776.1, NM_001018004.2 and 3 more transcripts); c.532-417G>A (NM_001330351.2, NM_001330344.2, NM_001365781.2); c.531+10G>A (NM_001018008.2, NM_001301289.2, NM_001365782.1 and 2 more transcripts).
Identifiers: ClinVar variation 381106 (VCV000381106.10), dbSNP rs763272536, ClinGen allele CA031027.
Genomic context (GRCh38, chr15:63,061,798, plus strand): 5'-TTGAAAACTGTGACGAACAACTTGAAGTCACTGGAGGCTCAGGCTGAGAAGGTAGGCCAG[G>A]AGGATGGTGTGGGGGAAAGGCATCTTTTAAGAGCTGCTCAAAAGAGGCCCTGCCAGAAAG-3'